The following is an entry in ClinVar:

NM_005592.4(MUSK):c.582del (p.Asn194fs)

Gene: MUSK (muscle associated receptor tyrosine kinase; plus strand). Cytogenetic location: 9q31.3.
Variant type: Deletion.
Coding change: c.582del on transcript NM_005592.4 (MANE Select); coding-DNA position 582, one base deleted (C; older notation c.582delC).
Protein change: p.Asn194fs; shifts the reading frame from asparagine 194.
Molecular consequence: frameshift variant.
Genome position (GRCh38, 1-based): chr9:110,697,420, C deleted. VCF-style (leftmost placement, unchanged base first): chr9-110697419-AC-A. GRCh37 (hg19) VCF-style: chr9-113459699-AC-A.
Other names: c.582del, p.Asn194fs (NM_001166280.2, NM_001166281.2); short protein forms N194fs.
Identifiers: ClinVar variation 1458702 (VCV001458702.6), dbSNP rs2131720596, ClinGen allele CA2573143697.

ClinVar aggregate classification (germline): Pathogenic (1 of 4 stars; one submission).

Conditions:
Fetal akinesia deformation sequence 1 (FADS1). Also called: Pena-Shokeir syndrome type I; Fetal akinesia sequence. Identifiers: Orphanet 994, MedGen C1276035, MONDO:0100101, OMIM 208150, HP:0001989.
Congenital myasthenic syndrome 9. Also called: Myasthenic syndrome, congenital, 9, associated with acetylcholine receptor deficiency. Identifiers: Orphanet 590, MedGen C4225368, MONDO:0014587, OMIM 616325.

Submission:

Labcorp Genetics (formerly Invitae), Labcorp
Classification: Pathogenic for Congenital myasthenic syndrome 9; Fetal akinesia deformation sequence 1. Last evaluated: 2022-07-06. Review status: criteria provided, single submitter. Criteria: Invitae Variant Classification Sherloc (09022015). Collection method: clinical testing. Allele origin: germline.
Comment: This sequence change creates a premature translational stop signal (p.Asn194Lysfs*11) in the MUSK gene. It is expected to result in an absent or disrupted protein product. Loss-of-function variants in MUSK are known to be pathogenic (PMID: 8653786, 25612909, 25695962, 25900532). This variant is not present in population databases (gnomAD no frequency). This variant has not been reported in the literature in individuals affected with MUSK-related conditions. ClinVar contains an entry for this variant (Variation ID: 1458702). For these reasons, this variant has been classified as Pathogenic.

Literature cited by the submitters: PubMed 8653786; PubMed 25612909; PubMed 25695962; PubMed 25900532.